The following is an entry in ClinVar:

ClinVar aggregate classification (germline): Pathogenic (1 of 4 stars; one submission).

Submission:

Labcorp Genetics (formerly Invitae), Labcorp
Classification: Pathogenic. Last evaluated: 2024-10-15. Review status: criteria provided, single submitter. Criteria: Invitae Variant Classification Sherloc (09022015). Collection method: clinical testing. Allele origin: germline.
Comment: This sequence change creates a premature translational stop signal (p.Glu561*) in the RNF216 gene. It is expected to result in an absent or disrupted protein product. Loss-of-function variants in RNF216 are known to be pathogenic (PMID: 24108619, 25841028). This variant is not present in population databases (gnomAD no frequency). This variant has not been reported in the literature in individuals affected with RNF216-related conditions. ClinVar contains an entry for this variant (Variation ID: 1395629). Algorithms developed to predict the effect of sequence changes on RNA splicing suggest that this variant may disrupt the consensus splice site. For these reasons, this variant has been classified as Pathogenic.

Literature cited by the submitters: PubMed 24108619; PubMed 25841028.

NM_207111.4(RNF216):c.1681G>T (p.Glu561Ter)

Gene: RNF216 (ring finger protein 216; minus strand). Cytogenetic location: 7p22.1.
Variant type: single nucleotide variant.
Coding change: c.1681G>T on transcript NM_207111.4 (MANE Select); coding-DNA position 1681, G replaced by T.
Protein change: p.Glu561Ter; replaces glutamic acid 561 with a stop codon.
Molecular consequence: nonsense.
Genome position (GRCh38, 1-based): chr7:5,716,730, C>A on the plus strand (G>T on the coding strand, the complement: RNF216 is on the minus strand). VCF-style: chr7-5716730-C-A. GRCh37 (hg19) VCF-style: chr7-5756361-C-A.
Other names: c.1510G>T, p.Glu504Ter (NM_001377156.1, NM_207116.3); short protein forms E561*, E504*.
Identifiers: ClinVar variation 1395629 (VCV001395629.6), dbSNP rs2128632948, ClinGen allele CA366724495.